The following is an entry in ClinVar:

NM_001009944.3(PKD1):c.7441C>T (p.Leu2481=)

Gene: PKD1 (polycystin 1, transient receptor potential channel interacting; minus strand). Cytogenetic location: 16p13.3.
Variant type: single nucleotide variant.
Coding change: c.7441C>T on transcript NM_001009944.3 (MANE Select); coding-DNA position 7441, C replaced by T.
Protein change: p.Leu2481=; no amino-acid change (leucine 2481 retained).
Molecular consequence: synonymous variant.
Genome position (GRCh38, 1-based): chr16:2,106,446, G>A on the plus strand (C>T on the coding strand, the complement: PKD1 is on the minus strand). VCF-style: chr16-2106446-G-A. GRCh37 (hg19) VCF-style: chr16-2156447-G-A.
Other names: p.Leu2481=; c.7441C>T, p.Leu2481= (NM_000296.4).
Identifiers: ClinVar variation 257001 (VCV000257001.21), dbSNP rs2003782, ClinGen allele CA7831134.
Genomic context (GRCh38, chr16:2,106,446, plus strand): 5'-GCCTGCACTCACCCGTGCATTCGAAGTGCACCTTGGTGGTGAGGGCGTGCACAGCGCCCA[G>A]TGGGAAGAGGCGGCAAGAGCCCCCCAGCGGCGGGCGGTTGGGGGACAGGCGGATGGAGGC-3'
Protein context (NP_001009944.3, residues 2471-2491): PLGGSCRLFP[Leu2481=]GAVHALTTKV

ClinVar aggregate classification (germline): Benign. Review status: criteria provided, multiple submitters, no conflicts (2 of 4 stars). 9 submissions from 9 submitters: Benign (8). 1 of the submissions does not count toward it. Last evaluated 2025-03-27.

Conditions:
Autosomal dominant polycystic kidney disease. Identifiers: Orphanet 730, MedGen C0085413, MONDO:0004691.
Polycystic kidney disease, adult type (PKD1). Also called: Polycystic Kidney, Autosomal Dominant; Polycystic Kidney Disease 1, Autosomal Dominant; Polycystic kidney disease 1; Polycystic kidney disease 1, severe; POLYCYSTIC KIDNEY DISEASE 1 WITH OR WITHOUT POLYCYSTIC LIVER DISEASE; POLYCYSTIC KIDNEY DISEASE, ADULT, TYPE I. Identifiers: MedGen C3149841, MONDO:0008263, OMIM 173900.
Polycystic kidney disease. Also called: Polycystic kidney dysplasia; Kidney, Polycystic. Identifiers: MedGen C0022680, MeSH D007690, MONDO:0020642, HP:0000113.

Allele frequency attached by ClinVar (database versions not stated): gnomAD exomes 0.15472 and 0.16020; ESP Exome Variant Server 0.20681; ExAC 0.21441; 1000 Genomes Project 0.21605; 1000 Genomes Project 30x 0.22236; gnomAD 0.24536 and 0.25615; TOPMed 0.25477.
gnomAD v4.1: 268,246 of 1,588,648 alleles (17%); highest among the groups gnomAD compares: African/African-American, 48%; 27,594 homozygotes.

Submissions (9):

Women's Health and Genetics/Laboratory Corporation of America, LabCorp
Classification: Benign. Last evaluated: 2025-03-27. Review status: criteria provided, single submitter. Criteria: LabCorp Variant Classification Summary - May 2015. Collection method: clinical testing. Allele origin: germline.

Blueprint Genetics
Classification: Benign. Last evaluated: 2024-11-27. Review status: criteria provided, single submitter. Criteria: ACMG Guidelines, 2015. Collection method: clinical testing. Allele origin: germline.

Mayo Clinic Laboratories, Mayo Clinic
Classification: Benign. Last evaluated: 2022-04-26. Review status: criteria provided, single submitter. Criteria: ACMG Guidelines, 2015. Collection method: clinical testing. Allele origin: germline. Observed: 268 variant alleles.

ARUP Laboratories, Molecular Genetics and Genomics, ARUP Laboratories
Classification: Benign for Polycystic kidney disease, adult type. Last evaluated: 2020-07-07. Review status: criteria provided, single submitter. Criteria: ARUP Molecular Germline Variant Investigation Process. Collection method: clinical testing. Allele origin: germline.

GeneDx
Classification: Benign. Last evaluated: 2019-09-24. Review status: criteria provided, single submitter. Criteria: GeneDx Variant Classification Process June 2021. Collection method: clinical testing. Allele origin: germline. Affected: yes.
Comment: This variant is associated with the following publications: (PMID: 22608885)

Molecular Genetics of Inherited Kidney Disorders Laboratory, Garvan Institute of Medical Research
Classification: Benign for Autosomal dominant polycystic kidney disease. Last evaluated: 2019-01-01. Review status: criteria provided, single submitter. Criteria: ACMG Guidelines, 2015. Collection method: research. Allele origin: germline. Affected: yes.

Breakthrough Genomics
Classification: Benign. Review status: criteria provided, single submitter. Criteria: ACMG Guidelines, 2015. Collection method: not provided. Allele origin: germline. Inheritance: Autosomal dominant inheritance. Affected: yes.

PreventionGenetics, part of Exact Sciences
Classification: Benign. Review status: criteria provided, single submitter. Criteria: ACMG Guidelines, 2015. Collection method: clinical testing. Allele origin: germline.

Department of Pathology and Laboratory Medicine, Sinai Health System
Classification: Benign for Polycystic Kidney disease. Review status: no assertion criteria provided. Collection method: clinical testing. Allele origin: unknown. Affected: yes. Study: The Canadian Open Genetics Repository (COGR). Not counted in ClinVar's aggregate classification.
Comment: The c.7441C>T, p.Leu2481Leu variant was identified in 21.44% of 8928 control alleles in the Exome Aggregation Consortium (March 14, 2016). According to ACMG guidelines for variant classification based on allele frequency, category BA1, this variant is considered benign and has not been further reviewed (Richards 2015).